The following is an entry in ClinVar:

ClinVar aggregate classification (germline): Uncertain significance. Review status: criteria provided, multiple submitters, no conflicts (2 of 4 stars). 2 submissions from 2 submitters: Uncertain significance (2). Last evaluated 2024-04-10.

Conditions:
Hereditary cancer-predisposing syndrome. Also called: Neoplastic Syndromes, Hereditary; Tumor predisposition; Hereditary Cancer Syndrome; Hereditary neoplastic syndrome. Identifiers: Orphanet 140162, MedGen C0027672, MeSH D009386, MONDO:0015356.
Fanconi anemia complementation group J. Also called: BRIP1-Related Fanconi Anemia. Identifiers: Orphanet 84, MedGen C1836860, MONDO:0012187, OMIM 609054.
Familial cancer of breast. Also called: Hereditary breast cancer; BREAST CANCER, FAMILIAL; hereditary breast carcinoma. Identifiers: Orphanet 227535, MedGen C0346153, MONDO:0016419, OMIM 114480. Disease mechanism: loss of function.

Allele frequency attached by ClinVar (database versions not stated): gnomAD 0.00001; TOPMed 0.00001.
gnomAD v4.1: 2 of 1,613,900 alleles (0.00012%); highest among the groups gnomAD compares: Non-Finnish European, 0.00017%; no homozygotes.

Submissions (2):

Labcorp Genetics (formerly Invitae), Labcorp
Classification: Uncertain significance for Familial cancer of breast; Fanconi anemia complementation group J. Last evaluated: 2024-04-10. Review status: criteria provided, single submitter. Criteria: Invitae Variant Classification Sherloc (09022015). Collection method: clinical testing. Allele origin: germline.
Comment: This sequence change replaces glutamic acid, which is acidic and polar, with lysine, which is basic and polar, at codon 910 of the BRIP1 protein (p.Glu910Lys). This variant is present in population databases (no rsID available, gnomAD 0.007%). This variant has not been reported in the literature in individuals affected with BRIP1-related conditions. ClinVar contains an entry for this variant (Variation ID: 566276). Advanced modeling of protein sequence and biophysical properties (such as structural, functional, and spatial information, amino acid conservation, physicochemical variation, residue mobility, and thermodynamic stability) performed at Invitae indicates that this missense variant is not expected to disrupt BRIP1 protein function with a negative predictive value of 80%. In summary, the available evidence is currently insufficient to determine the role of this variant in disease. Therefore, it has been classified as a Variant of Uncertain Significance.

Ambry Genetics
Classification: Uncertain significance for Hereditary cancer-predisposing syndrome. Last evaluated: 2023-12-14. Review status: criteria provided, single submitter. Criteria: Ambry Variant Classification Scheme 2023. Collection method: clinical testing. Allele origin: germline.
Comment: The p.E910K variant (also known as c.2728G>A), located in coding exon 18 of the BRIP1 gene, results from a G to A substitution at nucleotide position 2728. The glutamic acid at codon 910 is replaced by lysine, an amino acid with similar properties. This amino acid position is conserved. In addition, this alteration is predicted to be tolerated by in silico analysis. Since supporting evidence is limited at this time, the clinical significance of this alteration remains unclear.

NM_032043.3(BRIP1):c.2728G>A (p.Glu910Lys)

Gene: BRIP1 (BRCA1 interacting DNA helicase 1; minus strand). Cytogenetic location: 17q23.2.
Variant type: single nucleotide variant.
Coding change: c.2728G>A on transcript NM_032043.3 (MANE Select); coding-DNA position 2728, G replaced by A.
Protein change: p.Glu910Lys; replaces glutamic acid 910 with lysine.
Molecular consequence: missense variant.
Genome position (GRCh38, 1-based): chr17:61,686,013, C>T on the plus strand (G>A on the coding strand, the complement: BRIP1 is on the minus strand). VCF-style: chr17-61686013-C-T. GRCh37 (hg19) VCF-style: chr17-59763374-C-T.
Other names: short protein forms E910K.
Identifiers: ClinVar variation 566276 (VCV000566276.14), dbSNP rs1007808618, ClinGen allele CA400481655.